The following is an entry in ClinVar:

NM_001039958.2(MESP2):c.797C>T (p.Thr266Ile)

Gene: MESP2 (mesoderm posterior bHLH transcription factor 2; plus strand). Cytogenetic location: 15q26.1.
Variant type: single nucleotide variant.
Coding change: c.797C>T on transcript NM_001039958.2 (MANE Select); coding-DNA position 797, C replaced by T.
Protein change: p.Thr266Ile; replaces threonine 266 with isoleucine.
Molecular consequence: missense variant.
Genome position (GRCh38, 1-based): chr15:89,777,154, C>T. VCF-style: chr15-89777154-C-T. GRCh37 (hg19) VCF-style: chr15-90320385-C-T.
Other names: short protein forms T266I.
Identifiers: ClinVar variation 2191762 (VCV002191762.1), dbSNP rs780278422, ClinGen allele CA7730513.

ClinVar aggregate classification (germline): Uncertain significance (1 of 4 stars; one submission).

Allele frequency attached by ClinVar (database versions not stated): ExAC 0.00001; gnomAD exomes 0.00002.

Submission:

Labcorp Genetics (formerly Invitae), Labcorp
Classification: Uncertain significance. Last evaluated: 2022-02-25. Review status: criteria provided, single submitter. Criteria: Invitae Variant Classification Sherloc (09022015). Collection method: clinical testing. Allele origin: germline.
Comment: This sequence change replaces threonine, which is neutral and polar, with isoleucine, which is neutral and non-polar, at codon 266 of the MESP2 protein (p.Thr266Ile). This variant is present in population databases (rs780278422, gnomAD 0.003%). This variant has not been reported in the literature in individuals affected with MESP2-related conditions. Algorithms developed to predict the effect of missense changes on protein structure and function (SIFT, PolyPhen-2, Align-GVGD) all suggest that this variant is likely to be tolerated. In summary, the available evidence is currently insufficient to determine the role of this variant in disease. Therefore, it has been classified as a Variant of Uncertain Significance.